The following is an entry in ClinVar:

NM_133433.4(NIPBL):c.-453G>A

Gene: NIPBL (NIPBL cohesin loading factor; plus strand). Cytogenetic location: 5p13.2.
Variant type: single nucleotide variant.
Coding change: c.-453G>A on transcript NM_133433.4 (MANE Select); 453 bases upstream of the start codon, G replaced by A.
Molecular consequence: 5 prime UTR variant.
Genome position (GRCh38, 1-based): chr5:36,876,805, G>A. VCF-style: chr5-36876805-G-A. GRCh37 (hg19) VCF-style: chr5-36876907-G-A.
Other names: c.-453G>A (NM_001438586.1, NM_015384.5).
Identifiers: ClinVar variation 4984982 (VCV004984982.1).

ClinVar aggregate classification (germline): Likely benign (1 of 4 stars; one submission).

Conditions:
NIPBL-related disorder. Also called: NIPBL-related condition.

gnomAD v4.1: 3 of 397,388 alleles (0.00075%); highest among the groups gnomAD compares: Admixed American, 0.0044%; no homozygotes.

Submission:

PreventionGenetics, part of Exact Sciences
Classification: Likely benign for NIPBL-related condition. Last evaluated: 2025-04-08. Review status: criteria provided, single submitter. Criteria: ACMG Guidelines, 2015. Collection method: clinical testing. Allele origin: germline.
Comment: This variant is classified as likely benign based on ACMG/AMP sequence variant interpretation guidelines (Richards et al. 2015 PMID: 25741868, with internal and published modifications).